The following is an entry in ClinVar:

NM_001004356.3(FGFRL1):c.677G>A (p.Arg226His)

Gene: FGFRL1 (fibroblast growth factor receptor like 1; plus strand). Cytogenetic location: 4p16.3.
Variant type: single nucleotide variant.
Coding change: c.677G>A on transcript NM_001004356.3 (MANE Select); coding-DNA position 677, G replaced by A.
Protein change: p.Arg226His; replaces arginine 226 with histidine.
Molecular consequence: missense variant.
Genome position (GRCh38, 1-based): chr4:1,024,060, G>A. VCF-style: chr4-1024060-G-A. GRCh37 (hg19) VCF-style: chr4-1017848-G-A.
Other names: c.677G>A (NM_001004356.2); c.677G>A, p.Arg226His (NM_001004358.1, NM_001370296.1, NM_021923.3); short protein forms R226H.
Identifiers: ClinVar variation 2276316 (VCV002276316.9), dbSNP rs146608674, ClinGen allele CA2802796.

ClinVar aggregate classification (germline): Uncertain significance. Review status: criteria provided, multiple submitters, no conflicts (2 of 4 stars). 2 submissions from 2 submitters: Uncertain significance (2). Last evaluated 2024-11-26.

Allele frequency attached by ClinVar (database versions not stated): ExAC 0.00003; gnomAD 0.00003; TOPMed 0.00003; ESP Exome Variant Server 0.00015.

Submissions (2):

Ambry Genetics
Classification: Uncertain significance. Last evaluated: 2024-11-26. Review status: criteria provided, single submitter. Criteria: Ambry Variant Classification Scheme 2023. Collection method: clinical testing. Allele origin: germline.

Labcorp Genetics (formerly Invitae), Labcorp
Classification: Uncertain significance. Last evaluated: 2024-06-23. Review status: criteria provided, single submitter. Criteria: Invitae Variant Classification Sherloc (09022015). Collection method: clinical testing. Allele origin: germline.
Comment: This sequence change replaces arginine, which is basic and polar, with histidine, which is basic and polar, at codon 226 of the FGFRL1 protein (p.Arg226His). The frequency data for this variant in the population databases is considered unreliable, as metrics indicate poor data quality at this position in the gnomAD database. This variant has not been reported in the literature in individuals affected with FGFRL1-related conditions. ClinVar contains an entry for this variant (Variation ID: 2276316). An algorithm developed to predict the effect of missense changes on protein structure and function (PolyPhen-2) suggests that this variant is likely to be tolerated. In summary, the available evidence is currently insufficient to determine the role of this variant in disease. Therefore, it has been classified as a Variant of Uncertain Significance.